The following is an entry in ClinVar:

NM_015559.3(SETBP1):c.2893C>A (p.Gln965Lys)

Gene: SETBP1 (SET binding protein 1; plus strand). Cytogenetic location: 18q12.3.
Variant type: single nucleotide variant.
Coding change: c.2893C>A on transcript NM_015559.3 (MANE Select); coding-DNA position 2893, C replaced by A.
Protein change: p.Gln965Lys; replaces glutamine 965 with lysine.
Molecular consequence: missense variant.
Genome position (GRCh38, 1-based): chr18:44,952,233, C>A. VCF-style: chr18-44952233-C-A. GRCh37 (hg19) VCF-style: chr18-42532198-C-A.
Other names: c.2893C>A, p.Gln965Lys (NM_001379141.1, NM_001379142.1, NM_001410862.1); short protein forms Q965K.
Identifiers: ClinVar variation 3373206 (VCV003373206.1).
Genomic context (GRCh38, chr18:44,952,233, plus strand): 5'-CTGCAAAACCGCGATGACCTCCAGTTTCTGGCAGACCTGGAGGAGCTAATCACCAAGTTC[C>A]AAGTGTTCAGAATCTCCCACCGGAGTTACACCTTCTACCACGAGAATCCATATCCCAGCA-3'
Protein context (NP_056374.2, residues 955-975): ADLEELITKF[Gln965Lys]VFRISHRSYT

ClinVar aggregate classification (germline): Uncertain significance (1 of 4 stars; one submission).

Submission:

GeneDx
Classification: Uncertain significance. Last evaluated: 2024-04-30. Review status: criteria provided, single submitter. Criteria: GeneDx Variant Classification Process June 2021. Collection method: clinical testing. Allele origin: germline. Affected: yes.
Comment: Not observed at significant frequency in large population cohorts (gnomAD); In silico analysis indicates that this missense variant does not alter protein structure/function; Has not been previously published as pathogenic or benign to our knowledge